The following is an entry in ClinVar:

NM_005859.5(PURA):c.802G>T (p.Gly268Ter)

Gene: PURA (purine rich element binding protein A; plus strand). Cytogenetic location: 5q31.3.
Variant type: single nucleotide variant.
Coding change: c.802G>T on transcript NM_005859.5 (MANE Select); coding-DNA position 802, G replaced by T.
Protein change: p.Gly268Ter; replaces glycine 268 with a stop codon.
Molecular consequence: nonsense.
Genome position (GRCh38, 1-based): chr5:140,114,983, G>T. VCF-style: chr5-140114983-G-T. GRCh37 (hg19) VCF-style: chr5-139494568-G-T.
Other names: short protein forms G268*.
Identifiers: ClinVar variation 1217989 (VCV001217989.3), dbSNP rs2126749415, ClinGen allele CA361491575.

ClinVar aggregate classification (germline): Pathogenic (1 of 4 stars; one submission).

Submission:

GeneDx
Classification: Pathogenic. Last evaluated: 2019-11-07. Review status: criteria provided, single submitter. Criteria: GeneDx Variant Classification Process June 2021. Collection method: clinical testing. Allele origin: germline. Affected: yes.
Comment: Nonsense variant in the C-terminus predicted to result in protein truncation, as the last 55 amino acids are lost, and other loss-of-function variants have been reported downstream in the Human Gene Mutation Database (Stenson et al., 2014); Not observed in large population cohorts (Lek et al., 2016); This variant is associated with the following publications: (PMID: 29097605, 30369941)